The following is an entry in ClinVar:

ClinVar aggregate classification (germline): Conflicting classifications of pathogenicity. Review status: criteria provided, conflicting classifications (1 of 4 stars). 2 submissions from 2 submitters: Likely pathogenic (1); Uncertain significance (1). Last evaluated 2025-12-27.

Conditions:
Myoclonic dystonia 11 (DYT11). Also called: SGCE Myoclonus-Dystonia; Myoclonus-Dystonia; DYT-SGCE; Myoclonic dystonia; Dystonia 11; Dystonia, alcohol responsive. Identifiers: Orphanet 36899, MedGen C1834570, MONDO:0008044, OMIM 159900.

Allele frequency attached by ClinVar (database versions not stated): gnomAD exomes below 0.00001.
gnomAD v4.1: 1 of 1,566,476 alleles (0.000064%); highest among the groups gnomAD compares: Non-Finnish European, 0.000088%; no homozygotes.

Submissions (2):

Labcorp Genetics (formerly Invitae), Labcorp
Classification: Uncertain significance for Myoclonic dystonia 11. Last evaluated: 2025-12-27. Review status: criteria provided, single submitter. Criteria: Invitae Variant Classification Sherloc (09022015). Collection method: clinical testing. Allele origin: germline.
Comment: This sequence change replaces aspartic acid, which is acidic and polar, with asparagine, which is neutral and polar, at codon 155 of the SGCE protein (p.Asp155Asn). This variant also falls at the last nucleotide of exon 4, which is part of the consensus splice site for this exon. This variant is not present in population databases (gnomAD no frequency). This missense change has been observed in individual(s) with SGCE-related conditions (PMID: 21267590). ClinVar contains an entry for this variant (Variation ID: 1807451). An algorithm developed to predict the effect of missense changes on protein structure and function (PolyPhen-2) suggests that this variant is likely to be tolerated. Variants that disrupt the consensus splice site are a relatively common cause of aberrant splicing (PMID: 17576681, 9536098). Studies have shown that this missense change is associated with inconclusive levels of altered splicing (PMID: 21267590). In summary, the available evidence is currently insufficient to determine the role of this variant in disease. Therefore, it has been classified as a Variant of Uncertain Significance.

Athena Diagnostics
Classification: Likely pathogenic. Last evaluated: 2022-03-29. Review status: criteria provided, single submitter. Criteria: Athena Diagnostics Criteria. Collection method: clinical testing. Allele origin: unknown.
Comment: This variant has been identified in at least one individual with clinical features associated with this gene. This variant has not been reported in large, multi-ethnic general populations. Assessment of experimental evidence suggests this variant results in abnormal protein function. This variant has been shown in patient samples to cause exon skipping and shift in the reading frame (PMID: 21267590).

Literature cited by the submitters: PubMed 21267590 (cited by Labcorp Genetics (formerly Invitae), Labcorp and Athena Diagnostics); PubMed 17576681 (cited by Labcorp Genetics (formerly Invitae), Labcorp); PubMed 9536098 (cited by Labcorp Genetics (formerly Invitae), Labcorp).

NM_003919.3(SGCE):c.463G>A (p.Asp155Asn)

Genes: CASD1 (CAS1 domain sialic acid O acetyltransferase 1; plus strand), SGCE (sarcoglycan epsilon; minus strand). Cytogenetic location: 7q21.3.
Variant type: single nucleotide variant.
Coding change: c.463G>A on transcript NM_003919.3 (MANE Select); coding-DNA position 463, G replaced by A.
Protein change: p.Asp155Asn; replaces aspartic acid 155 with asparagine.
Molecular consequence: missense variant.
Genome position (GRCh38, 1-based): chr7:94,623,325, C>T on the plus strand (G>A on the coding strand, the complement: SGCE is on the minus strand). VCF-style: chr7-94623325-C-T. GRCh37 (hg19) VCF-style: chr7-94252637-C-T.
Other names: c.463G>A, p.Asp155Asn (NM_001099400.2, NM_001099401.2, NM_001346717.2); c.340G>A, p.Asp114Asn (NM_001301139.2, NM_001362809.2); c.571G>A, p.Asp191Asn (NM_001346713.2, NM_001346715.2); c.376G>A, p.Asp126Asn (NM_001346719.2, NM_001362807.2); c.190G>A, p.Asp64Asn (NM_001346720.2, NM_001362808.2); short protein forms D114N, D126N, D155N, D191N, D64N.
Identifiers: ClinVar variation 1807451 (VCV001807451.2), dbSNP rs2485134154, ClinGen allele CA368236584.
Genomic context (GRCh38, chr7:94,623,325, plus strand): 5'-ATAAAACATAATGAAATACTTCTTATAAATAAGAAATGATCAACATATTTTCATACCTAC[C>T]TTCTGCAGACATTATATTAATTATCAAATTATGCCTTGCAGTCTCAAAGGTGCGCCTGTT-3'
Protein context (NP_003910.1, residues 145-165): NLIINIMSAE[Asp155Asn]FPLPYQAEFF